The following is an entry in ClinVar:

NM_001876.4(CPT1A):c.440C>T (p.Thr147Ile)

Gene: CPT1A (carnitine palmitoyltransferase 1A; minus strand). Cytogenetic location: 11q13.3.
Variant type: single nucleotide variant.
Coding change: c.440C>T on transcript NM_001876.4 (MANE Select); coding-DNA position 440, C replaced by T.
Protein change: p.Thr147Ile; replaces threonine 147 with isoleucine.
Molecular consequence: missense variant.
Genome position (GRCh38, 1-based): chr11:68,807,480, G>A on the plus strand (C>T on the coding strand, the complement: CPT1A is on the minus strand). VCF-style: chr11-68807480-G-A. GRCh37 (hg19) VCF-style: chr11-68574948-G-A.
Other names: c.440C>T, p.Thr147Ile (NM_001031847.3); c.440C>T (NM_001876.3); short protein forms T147I.
Identifiers: ClinVar variation 1360354 (VCV001360354.7), dbSNP rs760683406, ClinGen allele CA6152682.

ClinVar aggregate classification (germline): Uncertain significance. Review status: criteria provided, multiple submitters, no conflicts (2 of 4 stars). 2 submissions from 2 submitters: Uncertain significance (2). Last evaluated 2025-08-18.

Conditions:
Inborn genetic diseases. Identifiers: MedGen C0950123, MeSH D030342.
Carnitine palmitoyl transferase 1A deficiency. Also called: Carnitine palmitoyltransferase type I deficiency; CPT I DEFICIENCY; CPT DEFICIENCY, HEPATIC, TYPE I; CPT deficiency, hepatic, type IA; Carnitine palmitoyltransferase 1A deficiency. Identifiers: Orphanet 156, MedGen C1829703, MONDO:0009705, OMIM 255120.

Allele frequency attached by ClinVar (database versions not stated): gnomAD exomes below 0.00001 and 0.00001; ExAC 0.00001; gnomAD 0.00001; TOPMed 0.00003.
gnomAD v4.1: 5 of 1,613,938 alleles (0.00031%); highest among the groups gnomAD compares: Admixed American, 0.0033%; no homozygotes.

Submissions (2):

Labcorp Genetics (formerly Invitae), Labcorp
Classification: Uncertain significance for Carnitine palmitoyl transferase 1A deficiency. Last evaluated: 2025-08-18. Review status: criteria provided, single submitter. Criteria: Invitae Variant Classification Sherloc (09022015). Collection method: clinical testing. Allele origin: germline.
Comment: This sequence change replaces threonine, which is neutral and polar, with isoleucine, which is neutral and non-polar, at codon 147 of the CPT1A protein (p.Thr147Ile). This variant is present in population databases (rs760683406, gnomAD 0.006%). This variant has not been reported in the literature in individuals affected with CPT1A-related conditions. ClinVar contains an entry for this variant (Variation ID: 1360354). Invitae Evidence Modeling of protein sequence and biophysical properties (such as structural, functional, and spatial information, amino acid conservation, physicochemical variation, residue mobility, and thermodynamic stability) has been performed for this missense variant. However, the output from this modeling did not meet the statistical confidence thresholds required to predict the impact of this variant on CPT1A protein function. In summary, the available evidence is currently insufficient to determine the role of this variant in disease. Therefore, it has been classified as a Variant of Uncertain Significance.

Ambry Genetics
Classification: Uncertain significance for Inborn genetic diseases. Last evaluated: 2022-12-16. Review status: criteria provided, single submitter. Criteria: Ambry Variant Classification Scheme 2023. Collection method: clinical testing. Allele origin: germline.